The following is an entry in ClinVar:

ClinVar aggregate classification (germline): Uncertain significance (1 of 4 stars; one submission).

Conditions:
Distal hereditary motor neuropathy type 2. Identifiers: Orphanet 139525, MedGen C3711384, MeSH C580044, MONDO:0015352.

Allele frequency attached by ClinVar (database versions not stated): gnomAD exomes below 0.00001.
gnomAD v4.1: 1 of 1,614,172 alleles (0.000062%); highest among the groups gnomAD compares: Admixed American, 0.0017%; no homozygotes.

Submission:

Labcorp Genetics (formerly Invitae), Labcorp
Classification: Uncertain significance for Distal hereditary motor neuropathy type 2. Last evaluated: 2021-10-06. Review status: criteria provided, single submitter. Criteria: Invitae Variant Classification Sherloc (09022015). Collection method: clinical testing. Allele origin: germline.
Comment: In summary, the available evidence is currently insufficient to determine the role of this variant in disease. Therefore, it has been classified as a Variant of Uncertain Significance. Algorithms developed to predict the effect of missense changes on protein structure and function (SIFT, PolyPhen-2, Align-GVGD) all suggest that this variant is likely to be tolerated. This variant has not been reported in the literature in individuals affected with FBXO38-related conditions. This variant is not present in population databases (ExAC no frequency). This sequence change replaces cysteine with arginine at codon 776 of the FBXO38 protein (p.Cys776Arg). The cysteine residue is moderately conserved and there is a large physicochemical difference between cysteine and arginine.

NM_205836.3(FBXO38):c.2326T>C (p.Cys776Arg)

Gene: FBXO38 (F-box protein 38; plus strand). Cytogenetic location: 5q32.
Variant type: single nucleotide variant.
Coding change: c.2326T>C on transcript NM_205836.3 (MANE Select); coding-DNA position 2326, T replaced by C.
Protein change: p.Cys776Arg; replaces cysteine 776 with arginine.
Molecular consequence: missense variant. On other transcripts: intron variant (1).
Genome position (GRCh38, 1-based): chr5:148,427,620, T>C. VCF-style: chr5-148427620-T-C. GRCh37 (hg19) VCF-style: chr5-147807183-T-C.
Other names: c.2326T>C, p.Cys776Arg (NM_030793.5); c.1918+1919T>C (NM_001271723.2); short protein forms C776R.
Identifiers: ClinVar variation 1384895 (VCV001384895.6), dbSNP rs1400525129, ClinGen allele CA361657542.